The following is an entry in ClinVar:

ClinVar aggregate classification (germline): Uncertain significance (1 of 4 stars; one submission).

Submission:

GeneDx
Classification: Uncertain significance. Last evaluated: 2026-03-27. Review status: criteria provided, single submitter. Criteria: GeneDx Variant Classification Process June 2021. Collection method: clinical testing. Allele origin: germline.
Comment: Not observed at significant frequency in large population cohorts (gnomAD); In silico analysis supports that this missense variant has a deleterious effect on protein structure/function; Has not been previously published as pathogenic or benign to our knowledge

NM_182931.3(KMT2E):c.2797C>T (p.Pro933Ser)

Gene: KMT2E (lysine methyltransferase 2E (inactive); plus strand). Cytogenetic location: 7q22.3.
Variant type: single nucleotide variant.
Coding change: c.2797C>T on transcript NM_182931.3 (MANE Select); coding-DNA position 2797, C replaced by T.
Protein change: p.Pro933Ser; replaces proline 933 with serine.
Molecular consequence: missense variant.
Genome position (GRCh38, 1-based): chr7:105,106,722, C>T. VCF-style: chr7-105106722-C-T. GRCh37 (hg19) VCF-style: chr7-104747169-C-T.
Other names: c.2797C>T, p.Pro933Ser (NM_001410908.1, NM_018682.4); short protein forms P933S.
Identifiers: ClinVar variation 5017409 (VCV005017409.1).
Genomic context (GRCh38, chr7:105,106,722, plus strand): 5'-CCTCCACGGATAAAATCAGATGATGAAACTTGTAGAAATGGTTATAAACCCATATATTCA[C>T]CAGTTACCCCAGTAACTCCTGGTACACCAGGAAATACCATGCACTTTGAGGTGAGAAATT-3'
Protein context (NP_891847.1, residues 923-943): CRNGYKPIYS[Pro933Ser]VTPVTPGTPG